The following is an entry in ClinVar:

NM_000435.3(NOTCH3):c.2956T>C (p.Cys986Arg)

Gene: NOTCH3 (notch receptor 3; minus strand). Cytogenetic location: 19p13.12.
Variant type: single nucleotide variant.
Coding change: c.2956T>C on transcript NM_000435.3 (MANE Select); coding-DNA position 2956, T replaced by C.
Protein change: p.Cys986Arg; replaces cysteine 986 with arginine.
Molecular consequence: missense variant.
Genome position (GRCh38, 1-based): chr19:15,180,999, A>G on the plus strand (T>C on the coding strand, the complement: NOTCH3 is on the minus strand). VCF-style: chr19-15180999-A-G. GRCh37 (hg19) VCF-style: chr19-15291810-A-G.
Other names: c.2956T>C (NM_000435.2); short protein forms C986R.
Identifiers: ClinVar variation 2819473 (VCV002819473.5), dbSNP rs763321998, ClinGen allele CA404514590.

ClinVar aggregate classification (germline): Conflicting classifications of pathogenicity. Review status: criteria provided, conflicting classifications (1 of 4 stars). 3 submissions from 3 submitters: Pathogenic (1); Likely pathogenic (1); Uncertain significance (1). Last evaluated 2025-05-23.

Conditions:
NOTCH3-related disorder. Also called: NOTCH3-related condition; NOTCH3-related disorders.

gnomAD v4.1: 3 of 1,597,548 alleles (0.00019%); highest among the groups gnomAD compares: South Asian, 0.0011%; no homozygotes.

Submissions (3):

Athena Diagnostics
Classification: Pathogenic. Last evaluated: 2025-05-23. Review status: criteria provided, single submitter. Criteria: Athena Diagnostics Criteria. Collection method: clinical testing. Allele origin: unknown.
Comment: This variant alters a critical location within the protein, and is expected to severely affect function and cause disease. The frequency of this variant in the general population is consistent with pathogenicity. This variant has been identified in at least one individual with autosomal dominant cerebral arteriopathy with subcortical infarcts and leukoencephalopathy (CADASIL). Greater than 90% of NOTCH3 pathogenic variants associated with CADASIL involve the gain or loss of a cysteine residue within the epidermal growth factor (EGF)-like repeat domain (PMID: 32457593, 20301673).

Labcorp Genetics (formerly Invitae), Labcorp
Classification: Uncertain significance. Last evaluated: 2022-12-31. Review status: criteria provided, single submitter. Criteria: Invitae Variant Classification Sherloc (09022015). Collection method: clinical testing. Allele origin: germline.
Comment: This sequence change replaces cysteine, which is neutral and slightly polar, with arginine, which is basic and polar, at codon 986 of the NOTCH3 protein (p.Cys986Arg). The frequency data for this variant in the population databases is considered unreliable, as metrics indicate poor data quality at this position in the gnomAD database. This missense change has been observed in individual(s) with CADASIL (PMID: 24840674). Advanced modeling of protein sequence and biophysical properties (such as structural, functional, and spatial information, amino acid conservation, physicochemical variation, residue mobility, and thermodynamic stability) performed at Invitae indicates that this missense variant is expected to disrupt NOTCH3 protein function. In summary, the available evidence is currently insufficient to determine the role of this variant in disease. Therefore, it has been classified as a Variant of Uncertain Significance.

Blueprint Genetics
Classification: Likely pathogenic for NOTCH3-related disorders. Last evaluated: 2020-07-10. Review status: criteria provided, single submitter. Criteria: ACMG Guidelines, 2015. Collection method: clinical testing. Allele origin: germline. Affected: yes. Observed: 2 variant alleles.

Literature cited by the submitters: PubMed 24840674 (cited by Athena Diagnostics and Labcorp Genetics (formerly Invitae), Labcorp).